The following is an entry in ClinVar:

NM_002890.3(RASA1):c.625_626del (p.Glu208_Ser209insTer)

Genes: CCNH (cyclin H; minus strand), RASA1 (RAS p21 protein activator 1; plus strand). Cytogenetic location: 5q14.3.
Variant type: Microsatellite.
Coding change: c.625_626del on transcript NM_002890.3 (MANE Select); coding-DNA positions 625 to 626, 2 bases deleted (AG; older notation c.625_626delAG).
Protein change: p.Glu208_Ser209insTer.
Molecular consequence: nonsense. On other transcripts: intron variant (1).
Genome position (GRCh38, 1-based): chr5:87,331,433-87,331,434, AG deleted; deleting any 2 consecutive bases within chr5:87,331,427-87,331,434 gives the same sequence; the c. name uses the placement nearest the transcript's 3' end. VCF-style (leftmost placement, unchanged base first): chr5-87331426-AAG-A. GRCh37 (hg19) VCF-style: chr5-86627243-AAG-A.
Other names: c.94_95del, p.Glu31_Ser32insTer (NM_022650.3); c.934-18639CT[3] (NM_001364075.2).
Identifiers: ClinVar variation 1691333 (VCV001691333.2), dbSNP rs2112366158, ClinGen allele CA2580613598.

ClinVar aggregate classification (germline): Pathogenic (1 of 4 stars; one submission).

Submission:

Seattle Children's Hospital Molecular Genetics Laboratory, Seattle Children's Hospital
Classification: Pathogenic. Last evaluated: 2022-01-17. Review status: criteria provided, single submitter. Criteria: ACMG Guidelines, 2015. Collection method: clinical testing. Allele origin: germline. Affected: yes.
Comment: This variant results in a premature termination codon in exon 2 and is expected to cause loss of protein function. The p.Ser209* variant is absent from large population cohorts (0 of 250,868 alleles; Genome Aggregation Database v2.1). While the p.Ser209* variant is absent from the medical literature and patient databases, loss-of-function of RASA1 is an established pathogenic mechanism for RASA1-related disorders, including the Capillary Malformation- Arteriovenous malformation (CM-AVM) syndrome and Parkes-Weber syndrome (PMID: 29891884, PMID: 18446851 and others).